The following is an entry in ClinVar:

ClinVar aggregate classification (germline): Uncertain significance. Review status: criteria provided, multiple submitters, no conflicts (2 of 4 stars). 4 submissions from 4 submitters: Uncertain significance (2). 2 of the submissions do not count toward it. Last evaluated 2025-04-14.

Conditions:
HEMOGLOBIN PARK RIDGE.
alpha Thalassemia. Also called: Alpha thalassemia spectrum. Identifiers: Orphanet 846, MedGen C0002312, MONDO:0011399, OMIM 604131.

Submissions (4):

Quest Diagnostics Nichols Institute San Juan Capistrano
Classification: Uncertain significance. Last evaluated: 2025-04-14. Review status: criteria provided, single submitter. Criteria: Quest Diagnostics criteria. Collection method: clinical testing. Allele origin: unknown.
Comment: The HBA2 c.30C>G (p.Asn10Lys) variant (also known as Hb Park Ridge) has been reported in the heterozygous state in an individual with normal clinical presentation (PMID: 12144061 (2002), HbVar). However, the same amino acid substitution caused by a different variant, c.30C>A (p.Asn10Lys), has been identified in a heterozygous individual with microcytic/hypochromic anemia (PMID: 31478238 (2020)). The c.30C>G (p.Asn10Lys) variant has not been reported in large, multi-ethnic general populations (Genome Aggregation Database). Analysis of this variant using bioinformatics tools for the prediction of the effect of amino acid changes on protein structure and function yielded conflicting predictions that this variant is deleterious or benign. Additional analysis using software algorithms for the prediction of the effect of nucleotide changes on HBA2 mRNA splicing yielded predictions that this variant may result in the gain of a cryptic splice site without affecting the natural splice sites. Based on the available information, we are unable to determine the clinical significance of this variant.

ARUP Laboratories, Molecular Genetics and Genomics, ARUP Laboratories
Classification: Uncertain significance. Last evaluated: 2024-03-21. Review status: criteria provided, single submitter. Criteria: ARUP Molecular Germline Variant Investigation Process 2024. Collection method: clinical testing. Allele origin: germline.
Comment: The Hb Park Ridge variant (HBA2: c.30C>G; p.Asn10Lys, also known as Asn9Lys when numbered from the mature protein, rs111033604, HbVar ID: 914, ClinVar Variation ID: 15650) is reported in the literature in the heterozygous state in a healthy individual with normal hematology (Hoyer 2002, HbVar database). However, the phenotype of this variant in the presence of other alpha globin variants is unknown. This variant is absent from the Genome Aggregation Database (v2.1.1), indicating it is not a common polymorphism. Computational analyses are uncertain whether this variant is neutral or deleterious (REVEL: 0.477). Due to limited information, the clinical significance of the Hb Park Ridge variant is uncertain at this time. References: Link to HbVar database: Hoyer JD et al. Four new variants of the alpha2-globin gene without clinical or hematologic effects: Hb Park Ridge (alpha9(alpha7)Asn-->Lys (alpha2)), Hb Norton (alpha72(EF1)His-->Asp (alpha2)), Hb Lombard (alpha103(G10)His-->Tyr (alpha2)), and Hb San Antonio (A113(GH2)Leu-->Arg (A2)). Hemoglobin. 2002 May;26(2):175-9. PMID: 12144061.

Natera, Inc.
Classification: Uncertain significance for Alpha thalassemia. Last evaluated: 2021-02-16. Review status: no assertion criteria provided. Collection method: clinical testing. Allele origin: germline. Not counted in ClinVar's aggregate classification.

OMIM
Classification: other for HEMOGLOBIN PARK RIDGE. Last evaluated: 2013-03-28. Review status: no assertion criteria provided. Collection method: literature only. Allele origin: germline. Not counted in ClinVar's aggregate classification.

Literature cited by the submitters: PubMed 12144061 (cited by Quest Diagnostics Nichols Institute San Juan Capistrano and OMIM); PubMed 31478238 (cited by Quest Diagnostics Nichols Institute San Juan Capistrano).

NM_000517.6(HBA2):c.30C>G (p.Asn10Lys)

Genes: HBA2 (hemoglobin subunit alpha 2; plus strand), LOC106804612 (hemoglobin subunit alpha 2 recombination region; plus strand). Cytogenetic location: 16p13.3.
Variant type: single nucleotide variant.
Coding change: c.30C>G on transcript NM_000517.6 (MANE Select); coding-DNA position 30, C replaced by G.
Protein change: p.Asn10Lys; replaces asparagine 10 with lysine.
Molecular consequence: missense variant.
Genome position (GRCh38, 1-based): chr16:172,942, C>G. VCF-style: chr16-172942-C-G. GRCh37 (hg19) VCF-style: chr16-222941-C-G.
Other names: N9K; c.30C>G (NM_000517.4); short protein forms N10K.
Identifiers: ClinVar variation 15650 (VCV000015650.12), dbSNP rs111033604, ClinGen allele CA125591.